The following is an entry in ClinVar:

ClinVar aggregate classification (germline): Uncertain significance (1 of 4 stars; one submission).

Conditions:
Leukodystrophy, hypomyelinating, 6. Also called: LEUKODYSTROPHY, HYPOMYELINATING, WITH ATROPHY OF THE BASAL GANGLIA AND CEREBELLUM; TUBB4A-Associated Leukodystrophy; Hypomyelination with Atrophy of Basal Ganglia and Cerebellum (H-ABC). Identifiers: Orphanet 139441, MedGen C2676244, MONDO:0012905, OMIM 612438.

gnomAD v4.1: 2 of 1,614,170 alleles (0.00012%); highest among the groups gnomAD compares: South Asian, 0.0022%; no homozygotes.

Submission:

MVZ Medizinische Genetik Mainz
Classification: Uncertain significance for Leukodystrophy, hypomyelinating, 6. Last evaluated: 2024-09-05. Review status: criteria provided, single submitter. Criteria: UK Practice Guidelines For Variant Classification V4 01 2020. Collection method: clinical testing. Allele origin: germline. Inheritance: Autosomal dominant inheritance. Affected: yes. Observed: 1 variant allele.
Comment: ACMG Criteria: PP3_MOD,PM2_SUP,PP2

NM_006087.4(TUBB4A):c.638G>A (p.Arg213His)

Gene: TUBB4A (tubulin beta 4A class IVa; minus strand). Cytogenetic location: 19p13.3.
Variant type: single nucleotide variant.
Coding change: c.638G>A on transcript NM_006087.4 (MANE Select); coding-DNA position 638, G replaced by A.
Protein change: p.Arg213His; replaces arginine 213 with histidine.
Molecular consequence: missense variant.
Genome position (GRCh38, 1-based): chr19:6,495,861, C>T on the plus strand (G>A on the coding strand, the complement: TUBB4A is on the minus strand). VCF-style: chr19-6495861-C-T. GRCh37 (hg19) VCF-style: chr19-6495872-C-T.
Other names: c.791G>A, p.Arg264His (NM_001289123.2); c.773G>A, p.Arg258His (NM_001289127.2); c.638G>A, p.Arg213His (NM_001289129.2); c.422G>A, p.Arg141His (NM_001289130.2, NM_001289131.2); short protein forms R141H, R213H, R258H, R264H.
Identifiers: ClinVar variation 3342281 (VCV003342281.1).